The following is an entry in ClinVar:

ClinVar aggregate classification (germline): Uncertain significance (1 of 4 stars; one submission).

Allele frequency attached by ClinVar (database versions not stated): TOPMed 0.00002.
gnomAD v4.1: 2 of 1,614,204 alleles (0.00012%); highest among the groups gnomAD compares: Non-Finnish European, 0.00017%; no homozygotes.

Submission:

Labcorp Genetics (formerly Invitae), Labcorp
Classification: Uncertain significance. Last evaluated: 2024-05-09. Review status: criteria provided, single submitter. Criteria: Invitae Variant Classification Sherloc (09022015). Collection method: clinical testing. Allele origin: germline.
Comment: This sequence change replaces alanine, which is neutral and non-polar, with threonine, which is neutral and polar, at codon 97 of the REST protein (p.Ala97Thr). This variant is present in population databases (no rsID available, gnomAD 0.002%). This variant has not been reported in the literature in individuals affected with REST-related conditions. An algorithm developed to predict the effect of missense changes on protein structure and function (PolyPhen-2) suggests that this variant is likely to be tolerated. In summary, the available evidence is currently insufficient to determine the role of this variant in disease. Therefore, it has been classified as a Variant of Uncertain Significance.

NM_005612.5(REST):c.289G>A (p.Ala97Thr)

Gene: REST (RE1 silencing transcription factor; plus strand). Cytogenetic location: 4q12.
Variant type: single nucleotide variant.
Coding change: c.289G>A on transcript NM_005612.5 (MANE Select); coding-DNA position 289, G replaced by A.
Protein change: p.Ala97Thr; replaces alanine 97 with threonine.
Molecular consequence: missense variant.
Genome position (GRCh38, 1-based): chr4:56,910,927, G>A. VCF-style: chr4-56910927-G-A. GRCh37 (hg19) VCF-style: chr4-57777093-G-A.
Other names: c.289G>A, p.Ala97Thr (NM_001193508.2, NM_001363453.3); short protein forms A97T.
Identifiers: ClinVar variation 2909135 (VCV002909135.3), dbSNP rs977427795, ClinGen allele CA97629472.
Genomic context (GRCh38, chr4:56,910,927, plus strand): 5'-ATGCCGGTTGGGGATAACAACTTTTCAGATAGTGAAGAAGGAGAAGGACTTGAAGAGTCT[G>A]CTGATATAAAAGGTGAACCTCATGGACTGGAAAACATGGAACTGAGAAGTTTGGAACTCA-3'
Protein context (NP_005603.3, residues 87-107): SEEGEGLEES[Ala97Thr]DIKGEPHGLE